The following is an entry in ClinVar:

ClinVar aggregate classification (germline): Likely pathogenic (1 of 4 stars; one submission).

Conditions:
Megalencephalic leukoencephalopathy with subcortical cysts 1 (MLC1). Also called: LEUKOENCEPHALOPATHY WITH SWELLING AND CYSTS; VACUOLATING MEGALENCEPHALIC LEUKOENCEPHALOPATHY WITH SUBCORTICAL CYSTS. Identifiers: Orphanet 2478, MedGen C5779875, MONDO:0024555, OMIM 604004.

Submission:

Myriad Genetics, Inc.
Classification: Likely pathogenic for Megalencephalic leukoencephalopathy with subcortical cysts 1. Last evaluated: 2020-02-04. Review status: criteria provided, single submitter. Criteria: Myriad Women's Health Autosomal Recessive and X-Linked Classification Criteria (2019). Collection method: clinical testing. Allele origin: unknown.
Comment: NM_015166.3(MLC1):c.517A>T(K173*) is expected to be pathogenic in the context of megalencephalic leukoencephalopathy with subcortical cysts. This variant is predicted to lead to an abnormal or absent protein product due to the creation of a premature termination codon in MLC1, a gene where loss-of-function variants are known to be pathogenic. Please note: this variant was assessed in the context of healthy population screening.

NM_015166.4(MLC1):c.517A>T (p.Lys173Ter)

Gene: MLC1 (modulator of VRAC current 1; minus strand). Cytogenetic location: 22q13.33.
Variant type: single nucleotide variant.
Coding change: c.517A>T on transcript NM_015166.4 (MANE Select); coding-DNA position 517, A replaced by T.
Protein change: p.Lys173Ter; replaces lysine 173 with a stop codon.
Molecular consequence: nonsense. On other transcripts: non-coding transcript variant (3).
Genome position (GRCh38, 1-based): chr22:50,077,409, T>A on the plus strand (A>T on the coding strand, the complement: MLC1 is on the minus strand). VCF-style: chr22-50077409-T-A. GRCh37 (hg19) VCF-style: chr22-50515838-T-A.
Other names: c.517A>T, p.Lys173Ter (NM_001376472.1, NM_001376473.1, NM_001376474.1 and 6 more transcripts); c.427A>T, p.Lys143Ter (NM_001376480.1); c.415A>T, p.Lys139Ter (NM_001376481.1); c.361A>T, p.Lys121Ter (NM_001376482.1, NM_001376483.1); c.280A>T, p.Lys94Ter (NM_001376484.1); short protein forms K121*, K139*, K143*, K173*, K94*.
Identifiers: ClinVar variation 983679 (VCV000983679.3), dbSNP rs766461175, ClinGen allele CA412109629.